The following is an entry in ClinVar:

NM_000545.8(HNF1A):c.*908G>A

Genes: C12orf43 (chromosome 12 open reading frame 43; minus strand), HNF1A (HNF1 homeobox A; plus strand). Cytogenetic location: 12q24.31.
Variant type: single nucleotide variant.
Coding change: c.*908G>A on transcript NM_000545.8 (MANE Select); 908 bases downstream of the stop codon, G replaced by A.
Molecular consequence: 3 prime UTR variant.
Genome position (GRCh38, 1-based): chr12:121,002,100, G>A. VCF-style: chr12-121002100-G-A. GRCh37 (hg19) VCF-style: chr12-121439903-G-A.
Other names: c.*2053C>T (NM_001286191.2, NM_001286196.2, NM_022895.3); c.*908G>A (NM_001306179.2, NM_001406915.1).
Identifiers: ClinVar variation 307471 (VCV000307471.7), dbSNP rs140584786, ClinGen allele CA6832241.

ClinVar aggregate classification (germline): Benign/Likely benign. Review status: criteria provided, multiple submitters, no conflicts (2 of 4 stars). 3 submissions from 3 submitters: Benign (1); Likely benign (2). Last evaluated 2018-01-12.

Conditions:
Maturity-onset diabetes of the young (MODY). Also called: Maturity onset diabetes mellitus in young. Identifiers: Orphanet 552, MedGen C0342276, MONDO:0018911, HP:0004904.
Maturity-onset diabetes of the young type 3. Also called: MODY, type III; MODY type 3. Identifiers: Orphanet 552, MedGen C1838100, MeSH C563933, MONDO:0010894, OMIM 600496. Disease mechanism: loss of function.

Allele frequency attached by ClinVar (database versions not stated): 1000 Genomes Project 0.00080; ExAC 0.00085; 1000 Genomes Project 30x 0.00109; gnomAD exomes 0.00223 and 0.00233; gnomAD 0.00235 and 0.00236; TOPMed 0.00254.
gnomAD v4.1: 1,233 of 534,200 alleles (0.23%); highest among the groups gnomAD compares: Non-Finnish European, 0.34%; 3 homozygotes.

Submissions (3):

Illumina Laboratory Services, Illumina
Classification: Likely benign for Maturity-onset diabetes of the young type 3. Last evaluated: 2018-01-12. Review status: criteria provided, single submitter. Criteria: ICSL Variant Classification Criteria 13 December 2019. Collection method: clinical testing. Allele origin: germline.
Comment: This variant was observed in the ICSL laboratory as part of a predisposition screen in an ostensibly healthy population. It had not been previously curated by ICSL or reported in the Human Gene Mutation Database (HGMD: prior to June 1st, 2018), and was therefore a candidate for classification through an automated scoring system. Utilizing variant allele frequency, disease prevalence and penetrance estimates, and inheritance mode, an automated score was calculated to assess if this variant is too frequent to cause the disease. Based on the score and internal cut-off values, a variant classified as likely benign is not then subjected to further curation. The score for this variant resulted in a classification of likely benign for this disease.

Breakthrough Genomics
Classification: Likely benign. Review status: criteria provided, single submitter. Criteria: ACMG Guidelines, 2015. Collection method: not provided. Allele origin: germline. Inheritance: Autosomal dominant inheritance. Affected: yes.

Clinical Genomics, Uppaluri K&H Personalized Medicine Clinic
Classification: Benign for Maturity-onset diabetes of the young. Review status: criteria provided, single submitter. Criteria: K & H Uppaluri Personalized Medicine Clinic Variant Classification & Assertion Criteria_Updated V.1. Collection method: research. Allele origin: unknown. Inheritance: Autosomal dominant inheritance.
Comment: Mutations in HNF1A gene can predispose to MODY3. It is associated with both micro and macrovascular complications of diabetes, especially cardiovascular complications. Associated with glucosuria. May respond well to sulfonylureas. However, more evidence is required to confer the association of this particular variant rs140584786 with MODY3.

Literature cited by the submitters: PubMed 31517624 (cited by Clinical Genomics, Uppaluri K&H Personalized Medicine Clinic); PubMed 32395877 (cited by Clinical Genomics, Uppaluri K&H Personalized Medicine Clinic); PubMed 35328643 (cited by Clinical Genomics, Uppaluri K&H Personalized Medicine Clinic); PubMed 35673428 (cited by Clinical Genomics, Uppaluri K&H Personalized Medicine Clinic).